The following is an entry in ClinVar:

ClinVar aggregate classification (germline): Uncertain significance. Review status: criteria provided, multiple submitters, no conflicts (2 of 4 stars). 4 submissions from 4 submitters: Uncertain significance (4). Last evaluated 2025-02-12.

Conditions:
Inborn genetic diseases. Identifiers: MedGen C0950123, MeSH D030342.

Allele frequency attached by ClinVar (database versions not stated): ExAC 0.00007.
gnomAD v4.1: 72 of 1,613,804 alleles (0.0045%); highest among the groups gnomAD compares: South Asian, 0.036%; 1 homozygote.

Submissions (4):

Ambry Genetics
Classification: Uncertain significance for Inborn genetic diseases. Last evaluated: 2025-02-12. Review status: criteria provided, single submitter. Criteria: Ambry Variant Classification Scheme 2023. Collection method: clinical testing. Allele origin: germline.

CeGaT Center for Human Genetics Tuebingen
Classification: Uncertain significance. Last evaluated: 2021-12-01. Review status: criteria provided, single submitter. Criteria: CeGaT Center For Human Genetics Tuebingen Variant Classification Criteria Version 2. Collection method: clinical testing. Allele origin: germline. Affected: yes. Observed: 1 variant allele.

GeneDx
Classification: Uncertain significance. Last evaluated: 2020-11-27. Review status: criteria provided, single submitter. Criteria: GeneDx Variant Classification Process June 2021. Collection method: clinical testing. Allele origin: germline. Affected: yes.
Comment: In silico analysis supports that this missense variant does not alter protein structure/function; Has not been previously published as pathogenic or benign to our knowledge

Breakthrough Genomics
Classification: Uncertain significance. Review status: criteria provided, single submitter. Criteria: ACMG Guidelines, 2015. Collection method: not provided. Allele origin: germline. Inheritance: Autosomal recessive inheritance. Affected: yes.

NM_016194.4(GNB5):c.1108G>A (p.Val370Ile)

Gene: GNB5 (G protein subunit beta 5; minus strand). Cytogenetic location: 15q21.2.
Variant type: single nucleotide variant.
Coding change: c.1108G>A on transcript NM_016194.4 (MANE Select); coding-DNA position 1108, G replaced by A.
Protein change: p.Val370Ile; replaces valine 370 with isoleucine.
Molecular consequence: missense variant.
Genome position (GRCh38, 1-based): chr15:52,124,541, C>T on the plus strand (G>A on the coding strand, the complement: GNB5 is on the minus strand). VCF-style: chr15-52124541-C-T. GRCh37 (hg19) VCF-style: chr15-52416738-C-T.
Other names: c.826G>A, p.Val276Ile (NM_001379343.1); c.982G>A, p.Val328Ile (NM_006578.4); short protein forms V276I, V328I, V370I.
Identifiers: ClinVar variation 1208084 (VCV001208084.40), dbSNP rs763538889, ClinGen allele CA7565526.